The following is an entry in ClinVar:

NM_004656.4(BAP1):c.121G>T (p.Gly41Cys)

Gene: BAP1 (BRCA1 associated deubiquitinase 1; minus strand). Cytogenetic location: 3p21.1.
Variant type: single nucleotide variant.
Coding change: c.121G>T on transcript NM_004656.4 (MANE Select); coding-DNA position 121, G replaced by T.
Protein change: p.Gly41Cys; replaces glycine 41 with cysteine.
Molecular consequence: missense variant.
Genome position (GRCh38, 1-based): chr3:52,409,555, C>A on the plus strand (G>T on the coding strand, the complement: BAP1 is on the minus strand). VCF-style: chr3-52409555-C-A. GRCh37 (hg19) VCF-style: chr3-52443571-C-A.
Other names: c.121G>T, p.Gly41Cys (NM_001410772.1); short protein forms G41C.
Identifiers: ClinVar variation 2774766 (VCV002774766.6), dbSNP rs372586694, ClinGen allele CA353114475.

ClinVar aggregate classification (germline): Conflicting classifications of pathogenicity. Review status: criteria provided, conflicting classifications (1 of 4 stars). 3 submissions from 3 submitters: Uncertain significance (2); Likely benign (1). Last evaluated 2025-12-22.

Conditions:
Hereditary cancer-predisposing syndrome. Also called: Neoplastic Syndromes, Hereditary; Tumor predisposition; Hereditary Cancer Syndrome; Hereditary neoplastic syndrome. Identifiers: Orphanet 140162, MedGen C0027672, MeSH D009386, MONDO:0015356.
BAP1-related tumor predisposition syndrome (TPDS1). Also called: Tumor susceptibility linked to germline BAP1 mutations; COMMON Syndrome; TUMOR PREDISPOSITION SYNDROME 1; BAP1 tumor predisposition syndrome. Identifiers: Orphanet 289539, MedGen C3280492, MONDO:0013692, OMIM 614327.

Submissions (3):

Labcorp Genetics (formerly Invitae), Labcorp
Classification: Uncertain significance for BAP1-related tumor predisposition syndrome. Last evaluated: 2025-12-22. Review status: criteria provided, single submitter. Criteria: Invitae Variant Classification Sherloc (09022015). Collection method: clinical testing. Allele origin: germline.
Comment: This sequence change replaces glycine, which is neutral and non-polar, with cysteine, which is neutral and slightly polar, at codon 41 of the BAP1 protein (p.Gly41Cys). This variant is not present in population databases (gnomAD no frequency). This variant has not been reported in the literature in individuals affected with BAP1-related conditions. ClinVar contains an entry for this variant (Variation ID: 2774766). An algorithm developed to predict the effect of missense changes on protein structure and function (PolyPhen-2) suggests that this variant is likely to be disruptive. In summary, the available evidence is currently insufficient to determine the role of this variant in disease. Therefore, it has been classified as a Variant of Uncertain Significance.

Ambry Genetics
Classification: Likely benign for Hereditary cancer-predisposing syndrome. Last evaluated: 2025-06-09. Review status: criteria provided, single submitter. Criteria: Ambry Variant Classification Scheme 2023. Collection method: clinical testing. Allele origin: germline.

Color Diagnostics, LLC DBA Color Health
Classification: Uncertain significance for Hereditary cancer-predisposing syndrome. Last evaluated: 2022-09-06. Review status: criteria provided, single submitter. Criteria: ACMG Guidelines, 2015. Collection method: clinical testing. Allele origin: germline.
Comment: This missense variant replaces glycine with cysteine at codon 41 of the BAP1 protein. Computational prediction suggests that this variant may not impact protein structure and function (internally defined REVEL score threshold <= 0.5, PMID: 27666373). To our knowledge, functional studies have not been reported for this variant. This variant has not been reported in individuals affected with hereditary cancer in the literature. This variant has not been identified in the general population by the Genome Aggregation Database (gnomAD). The available evidence is insufficient to determine the role of this variant in disease conclusively. Therefore, this variant is classified as a Variant of Uncertain Significance.

Literature cited by the submitters: PubMed 38969833 (cited by Ambry Genetics).